The following is an entry in ClinVar:

ClinVar aggregate classification (germline): Uncertain significance (1 of 4 stars; one submission).

Submission:

Labcorp Genetics (formerly Invitae), Labcorp
Classification: Uncertain significance. Last evaluated: 2023-02-25. Review status: criteria provided, single submitter. Criteria: Invitae Variant Classification Sherloc (09022015). Collection method: clinical testing. Allele origin: germline.
Comment: This sequence change replaces alanine, which is neutral and non-polar, with aspartic acid, which is acidic and polar, at codon 138 of the CTF1 protein (p.Ala138Asp). The frequency data for this variant in the population databases is considered unreliable, as metrics indicate insufficient coverage at this position in the gnomAD database. This variant has not been reported in the literature in individuals affected with CTF1-related conditions. An algorithm developed to predict the effect of missense changes on protein structure and function (PolyPhen-2) suggests that this variant is likely to be tolerated. In summary, the available evidence is currently insufficient to determine the role of this variant in disease. Therefore, it has been classified as a Variant of Uncertain Significance.

NM_001330.5(CTF1):c.413C>A (p.Ala138Asp)

Genes: CTF1 (cardiotrophin 1; plus strand), LOC130058878 (ATAC-STARR-seq lymphoblastoid silent region 7400; plus strand). Cytogenetic location: 16p11.2.
Variant type: single nucleotide variant.
Coding change: c.413C>A on transcript NM_001330.5 (MANE Select); coding-DNA position 413, C replaced by A.
Protein change: p.Ala138Asp; replaces alanine 138 with aspartic acid.
Molecular consequence: missense variant. On other transcripts: non-coding transcript variant (1).
Genome position (GRCh38, 1-based): chr16:30,902,346, C>A. VCF-style: chr16-30902346-C-A. GRCh37 (hg19) VCF-style: chr16-30913667-C-A.
Other names: c.410C>A, p.Ala137Asp (NM_001142544.3); short protein forms A138D, A137D.
Identifiers: ClinVar variation 2840708 (VCV002840708.3), dbSNP rs2543741058, ClinGen allele CA395619140.